The following is an entry in ClinVar:

ClinVar aggregate classification (germline): Uncertain significance. Review status: criteria provided, multiple submitters, no conflicts (2 of 4 stars). 2 submissions from 2 submitters: Uncertain significance (2). Last evaluated 2024-08-23.

Conditions:
Hereditary cancer-predisposing syndrome. Also called: Neoplastic Syndromes, Hereditary; Tumor predisposition; Hereditary Cancer Syndrome; Hereditary neoplastic syndrome. Identifiers: Orphanet 140162, MedGen C0027672, MeSH D009386, MONDO:0015356.
Rhabdoid tumor predisposition syndrome 2 (RTPS2). Identifiers: Orphanet 231108, Orphanet 69077, MedGen C2750074, MONDO:0013224, OMIM 613325.

Submissions (2):

Ambry Genetics
Classification: Uncertain significance for Hereditary cancer-predisposing syndrome. Last evaluated: 2024-08-23. Review status: criteria provided, single submitter. Criteria: Ambry Variant Classification Scheme 2023. Collection method: clinical testing. Allele origin: germline.
Comment: The p.G256E variant (also known as c.767G>A), located in coding exon 4 of the SMARCA4 gene, results from a G to A substitution at nucleotide position 767. The glycine at codon 256 is replaced by glutamic acid, an amino acid with similar properties. This amino acid position is well conserved in available vertebrate species. In addition, this alteration is predicted to be tolerated by in silico analysis. Missense and in-frame variants in SMARCA4 are known to cause neurodevelopmental disorders; however, such associations with rhabdoid tumor predisposition syndrome including small cell carcinoma of the ovary-hypercalcemic type (SCCOHT) are exceedingly rare (Kosho T et al. Am J Med Genet C Semin Med Genet. 2014 Sep;166C(3):262-75; Jelinic P et al. Nat Genet. 2014 May;46(5):424-6). Based on the supporting evidence, the association of this alteration with Coffin-Siris syndrome is unknown; however, the association of this alteration with rhabdoid tumor predisposition syndrome is unlikely.

Labcorp Genetics (formerly Invitae), Labcorp
Classification: Uncertain significance for Rhabdoid tumor predisposition syndrome 2. Last evaluated: 2022-07-17. Review status: criteria provided, single submitter. Criteria: Invitae Variant Classification Sherloc (09022015). Collection method: clinical testing. Allele origin: germline.
Comment: This sequence change replaces glycine, which is neutral and non-polar, with glutamic acid, which is acidic and polar, at codon 256 of the SMARCA4 protein (p.Gly256Glu). This variant is not present in population databases (gnomAD no frequency). This variant has not been reported in the literature in individuals affected with SMARCA4-related conditions. Algorithms developed to predict the effect of missense changes on protein structure and function (SIFT, PolyPhen-2, Align-GVGD) all suggest that this variant is likely to be tolerated. In summary, the available evidence is currently insufficient to determine the role of this variant in disease. Therefore, it has been classified as a Variant of Uncertain Significance.

NM_003072.5(SMARCA4):c.767G>A (p.Gly256Glu)

Gene: SMARCA4 (SWI/SNF related BAF chromatin remodeling complex subunit ATPase 4; plus strand). Cytogenetic location: 19p13.2.
Variant type: single nucleotide variant.
Coding change: c.767G>A on transcript NM_003072.5 (MANE Select); coding-DNA position 767, G replaced by A.
Protein change: p.Gly256Glu; replaces glycine 256 with glutamic acid.
Molecular consequence: missense variant. On other transcripts: non-coding transcript variant (1).
Genome position (GRCh38, 1-based): chr19:10,986,911, G>A. VCF-style: chr19-10986911-G-A. GRCh37 (hg19) VCF-style: chr19-11097587-G-A.
Other names: c.767G>A, p.Gly256Glu (NM_001128845.2, NM_001128848.2, NM_001128846.2 and 6 more transcripts); short protein forms G256E.
Identifiers: ClinVar variation 1716439 (VCV001716439.9), dbSNP rs2145795118, ClinGen allele CA404057833.